The following is an entry in ClinVar:

ClinVar aggregate classification (germline): Uncertain significance (1 of 4 stars; one submission).

Allele frequency attached by ClinVar (database versions not stated): gnomAD exomes below 0.00001; TOPMed below 0.00001; ExAC 0.00001.
gnomAD v4.1: 2 of 1,592,844 alleles (0.00013%); highest among the groups gnomAD compares: Non-Finnish European, 0.00017%; no homozygotes.

Submission:

Women's Health and Genetics/Laboratory Corporation of America, LabCorp
Classification: Uncertain significance. Last evaluated: 2022-08-18. Review status: criteria provided, single submitter. Criteria: LabCorp Variant Classification Summary - May 2015. Collection method: clinical testing. Allele origin: germline.
Comment: Variant summary: TSEN2 c.1338+1G>A is located in a canonical splice-site and is predicted to affect mRNA splicing resulting in a significantly altered protein due to either exon skipping, shortening, or inclusion of intronic material. Several computational tools predict a significant impact on normal splicing: Four predict the variant abolishes the canonical 5' splicing donor site. However, these predictions have yet to be confirmed by functional studies. The variant allele was found at a frequency of 4e-06 in 251018 control chromosomes (gnomAD). Loss of function variants in last intron have not been classified as pathogenic in ClinVar. To our knowledge, no occurrence of c.1338+1G>A in individuals affected with Pontocerebellar Hypoplasia, Type 2B and no experimental evidence demonstrating its impact on protein function have been reported. No clinical diagnostic laboratories have submitted clinical-significance assessments for this variant to ClinVar after 2014. Based on the evidence outlined above, the variant was classified as uncertain significance.

NM_025265.4(TSEN2):c.1338+1G>A

Gene: TSEN2 (tRNA splicing endonuclease subunit 2; plus strand). Cytogenetic location: 3p25.2.
Variant type: single nucleotide variant.
Coding change: c.1338+1G>A on transcript NM_025265.4 (MANE Select); the canonical splice donor site of the intron after coding-DNA position 1338, G replaced by A.
Molecular consequence: splice donor variant.
Genome position (GRCh38, 1-based): chr3:12,531,660, G>A. VCF-style: chr3-12531660-G-A. GRCh37 (hg19) VCF-style: chr3-12573159-G-A.
Other names: c.1338+1G>A (NM_001321278.2, NM_001145392.2, NM_001321277.2); c.1260+1G>A (NM_001321279.2, NM_001145393.3); c.1161+1G>A (NM_001145394.2).
Identifiers: ClinVar variation 1705140 (VCV001705140.1), dbSNP rs765225367, ClinGen allele CA2258825.